The following is an entry in ClinVar:

ClinVar aggregate classification (germline): Uncertain significance. Review status: criteria provided, multiple submitters, no conflicts (2 of 4 stars). 2 submissions from 2 submitters: Uncertain significance (2). Last evaluated 2026-01-13.

Conditions:
Bardet-Biedl syndrome 15 (BBS15). Identifiers: Orphanet 110, MedGen C3150127, MONDO:0014443, OMIM 615992.
Heart defect - tongue hamartoma - polysyndactyly syndrome. Also called: Congenital heart defects, hamartomas of tongue, and polysyndactyly. Identifiers: Orphanet 1338, MedGen C1857587, MONDO:0009008, OMIM 217085.
WDPCP-related disorder. Also called: WDPCP-related condition.

Submissions (2):

PreventionGenetics, part of Exact Sciences
Classification: Uncertain significance for WDPCP-related condition. Last evaluated: 2026-01-13. Review status: criteria provided, single submitter. Criteria: ACMG Guidelines, 2015. Collection method: clinical testing. Allele origin: germline.
Comment: The WDPCP c.178T>C variant is predicted to result in the amino acid substitution p.Tyr60His. To our knowledge, this variant has not been reported in the literature or in a large population database (gnomAD), indicating this variant is rare. At this time, the clinical significance of this variant is uncertain due to the absence of conclusive functional and genetic evidence.

Fulgent Genetics
Classification: Uncertain significance for Heart defect - tongue hamartoma - polysyndactyly syndrome; Bardet-Biedl syndrome 15. Last evaluated: 2024-06-09. Review status: criteria provided, single submitter. Criteria: ACMG Guidelines, 2015. Collection method: clinical testing. Allele origin: germline.

NM_015910.7(WDPCP):c.178T>C (p.Tyr60His)

Gene: WDPCP (WD repeat containing planar cell polarity effector; minus strand). Cytogenetic location: 2p15.
Variant type: single nucleotide variant.
Coding change: c.178T>C on transcript NM_015910.7 (MANE Select); coding-DNA position 178, T replaced by C.
Protein change: p.Tyr60His; replaces tyrosine 60 with histidine.
Molecular consequence: missense variant. On other transcripts: non-coding transcript variant (2).
Genome position (GRCh38, 1-based): chr2:63,487,477, A>G on the plus strand (T>C on the coding strand, the complement: WDPCP is on the minus strand). VCF-style: chr2-63487477-A-G. GRCh37 (hg19) VCF-style: chr2-63714611-A-G.
Other names: c.178T>C (NM_015910.5); c.106T>C, p.Tyr36His (NM_001354044.2); c.178T>C, p.Tyr60His (NM_001354045.2); short protein forms Y36H, Y60H.
Identifiers: ClinVar variation 3586838 (VCV003586838.2).